The following is an entry in ClinVar:

NM_020822.3(KCNT1):c.1326_1327delinsAT (p.Met443Leu)

Gene: KCNT1 (potassium sodium-activated channel subfamily T member 1; plus strand). Cytogenetic location: 9q34.3.
Variant type: Indel.
Coding change: c.1326_1327delinsAT on transcript NM_020822.3 (MANE Select); coding-DNA positions 1326 to 1327, CA replaced by AT.
Protein change: p.Met443Leu; replaces methionine 443 with leucine.
Molecular consequence: missense variant.
Genome position (GRCh38, 1-based): chr9:135,765,749-135,765,750, CA replaced by AT. VCF-style: chr9-135765749-CA-AT. GRCh37 (hg19) VCF-style: chr9-138657595-CA-AT.
Other names: c.1191_1192delinsAT, p.Met398Leu (NM_001272003.2); short protein forms M398L, M443L.
Identifiers: ClinVar variation 540588 (VCV000540588.16), dbSNP rs1554773537, ClinGen allele CA658797372.

ClinVar aggregate classification (germline): Likely benign. Review status: criteria provided, multiple submitters, no conflicts (2 of 4 stars). 5 submissions from 4 submitters: Likely benign (5). Last evaluated 2026-03-17.

Conditions:
Developmental and epileptic encephalopathy, 14 (DEE14). Also called: Early infantile epileptic encephalopathy 14. Identifiers: Orphanet 293181, MedGen C3554195, MONDO:0013989, OMIM 614959.
Autosomal dominant nocturnal frontal lobe epilepsy 5. Also called: Epilepsy, nocturnal frontal lobe, 5; KCNT1-Related Epilepsy; CILIARY DYSKINESIA, PRIMARY, 28, WITHOUT SITUS INVERSUS; CILIARY DYSKINESIA, PRIMARY, 28, WITH SITUS INVERSUS. Identifiers: Orphanet 98784, MedGen C3554306, MONDO:0014002, OMIM 615005.

Submissions (5):

Women's Health and Genetics/Laboratory Corporation of America, LabCorp
Classification: Likely benign. Last evaluated: 2026-03-17. Review status: criteria provided, single submitter. Criteria: LabCorp Variant Classification Summary - May 2015. Collection method: clinical testing. Allele origin: germline.
Comment: Variant summary: KCNT1 c.1326_1327delinsAT (p.Met443Leu) results in a conservative amino acid change in the encoded protein sequence. Algorithms developed to predict the effect of missense changes on protein structure and function are either unavailable or do not agree on the potential impact of this missense change. The variant allele was found at a frequency of 0.00011 in 275086 control chromosomes (gnomAD). To our knowledge, no occurrence of c.1326_1327delinsAT in individuals affected with KCNT1-related conditions and no experimental evidence demonstrating its impact on protein function have been reported. ClinVar contains an entry for this variant (Variation ID: 540588). Based on the evidence outlined above, the variant was classified as likely benign.

Labcorp Genetics (formerly Invitae), Labcorp
Classification: Likely benign for Autosomal dominant nocturnal frontal lobe epilepsy 5; Developmental and epileptic encephalopathy, 14. Last evaluated: 2025-10-02. Review status: criteria provided, single submitter. Criteria: Invitae Variant Classification Sherloc (09022015). Collection method: clinical testing. Allele origin: germline.

GeneDx
Classification: Likely benign. Last evaluated: 2023-03-20. Review status: criteria provided, single submitter. Criteria: GeneDx Variant Classification Process June 2021. Collection method: clinical testing. Allele origin: germline. Affected: yes.
Comment: See Variant Classification Assertion Criteria.

Genome-Nilou Lab
Classification: Likely benign for Developmental and epileptic encephalopathy, 14. Last evaluated: 2022-03-15. Review status: criteria provided, single submitter. Criteria: ACMG Guidelines, 2015. Collection method: clinical testing. Allele origin: germline. Affected: no.

Genome-Nilou Lab
Classification: Likely benign for Autosomal dominant nocturnal frontal lobe epilepsy 5. Last evaluated: 2022-03-15. Review status: criteria provided, single submitter. Criteria: ACMG Guidelines, 2015. Collection method: clinical testing. Allele origin: germline. Affected: no.